The following is an entry in ClinVar:

NM_000044.6(AR):c.1769-13T>G

Gene: AR (androgen receptor; plus strand). Cytogenetic location: Xq12.
Variant type: single nucleotide variant.
Coding change: c.1769-13T>G on transcript NM_000044.6 (MANE Select); 13 bases into the intron before coding-DNA position 1769, T replaced by G.
Molecular consequence: intron variant. On other transcripts: missense variant (1).
Genome position (GRCh38, 1-based): chrX:67,685,997, T>G. VCF-style: chrX-67685997-T-G. GRCh37 (hg19) VCF-style: chrX-66905839-T-G.
Other names: c.1673T>G, p.Ile558Ser (NM_001348064.1); c.173-13T>G (NM_001011645.3); c.1769-13T>G (NM_001348061.1, NM_001348063.1); short protein forms I558S.
Identifiers: ClinVar variation 2946619 (VCV002946619.3), dbSNP rs2075964448, ClinGen allele CA413429082.

ClinVar aggregate classification (germline): Uncertain significance (1 of 4 stars; one submission).

Conditions:
Kennedy disease (SMAX1). Also called: SPINAL AND BULBAR MUSCULAR ATROPHY, X-LINKED 1; KENNEDY SPINAL AND BULBAR MUSCULAR ATROPHY; Spinal and Bulbar Muscular Atrophy. Identifiers: Orphanet 481, MedGen C1839259, MONDO:0010735, OMIM 313200.
Androgen resistance syndrome (AIS). Also called: DHTR DEFICIENCY; DIHYDROTESTOSTERONE RECEPTOR DEFICIENCY; ANDROGEN RECEPTOR DEFICIENCY; TESTICULAR FEMINIZATION SYNDROME; Androgen insensitivity syndrome; Androgen insensitivity. Identifiers: Orphanet 754, Orphanet 99429, MedGen C0039585, MONDO:0019154, OMIM 300068. Disease mechanism: loss of function.

Submission:

Labcorp Genetics (formerly Invitae), Labcorp
Classification: Uncertain significance for Kennedy disease; Androgen resistance syndrome. Last evaluated: 2023-05-20. Review status: criteria provided, single submitter. Criteria: Invitae Variant Classification Sherloc (09022015). Collection method: clinical testing. Allele origin: germline.
Comment: In summary, the available evidence is currently insufficient to determine the role of this variant in disease. Therefore, it has been classified as a Variant of Uncertain Significance. This sequence change falls in intron 2 of the AR gene. It does not directly change the encoded amino acid sequence of the AR protein. This variant is not present in population databases (gnomAD no frequency). This variant has not been reported in the literature in individuals affected with AR-related conditions. Algorithms developed to predict the effect of sequence changes on RNA splicing suggest that this variant may disrupt the consensus splice site.